The following is an entry in ClinVar:

ClinVar aggregate classification (germline): Uncertain significance. Review status: criteria provided, multiple submitters, no conflicts (2 of 4 stars). 2 submissions from 2 submitters: Uncertain significance (2). Last evaluated 2026-01-12.

Conditions:
Cardiovascular phenotype. Identifiers: MedGen CN230736.
Brugada syndrome 4 (BRGDA4). Identifiers: Orphanet 130, MedGen C2678477, MONDO:0012743, OMIM 611876.

Allele frequency attached by ClinVar (database versions not stated): ExAC 0.00001; gnomAD 0.00003; TOPMed 0.00003; ESP Exome Variant Server 0.00008.
gnomAD v4.1: 5 of 1,613,882 alleles (0.00031%); highest among the groups gnomAD compares: African/African-American, 0.0067%; no homozygotes.

Submissions (2):

Labcorp Genetics (formerly Invitae), Labcorp
Classification: Uncertain significance for Brugada syndrome 4. Last evaluated: 2026-01-12. Review status: criteria provided, single submitter. Criteria: Invitae Variant Classification Sherloc (09022015). Collection method: clinical testing. Allele origin: germline.
Comment: This sequence change replaces leucine, which is neutral and non-polar, with phenylalanine, which is neutral and non-polar, at codon 319 of the CACNB2 protein (p.Leu319Phe). This variant is present in population databases (rs375812009, gnomAD 0.008%). This variant has not been reported in the literature in individuals affected with CACNB2-related conditions. ClinVar contains an entry for this variant (Variation ID: 1767380). Invitae Evidence Modeling of protein sequence and biophysical properties (such as structural, functional, and spatial information, amino acid conservation, physicochemical variation, residue mobility, and thermodynamic stability) indicates that this missense variant is expected to disrupt CACNB2 protein function with a positive predictive value of 80%. In summary, the available evidence is currently insufficient to determine the role of this variant in disease. Therefore, it has been classified as a Variant of Uncertain Significance.

Ambry Genetics
Classification: Uncertain significance for Cardiovascular phenotype. Last evaluated: 2022-05-02. Review status: criteria provided, single submitter. Criteria: Ambry Variant Classification Scheme 2023. Collection method: clinical testing. Allele origin: germline.
Comment: The p.L319F variant (also known as c.955C>T), located in coding exon 10 of the CACNB2 gene, results from a C to T substitution at nucleotide position 955. The leucine at codon 319 is replaced by phenylalanine, an amino acid with highly similar properties. This amino acid position is conserved. In addition, this alteration is predicted to be deleterious by in silico analysis. Since supporting evidence is limited at this time, the clinical significance of this alteration remains unclear.

NM_201596.3(CACNB2):c.1117C>T (p.Leu373Phe)

Gene: CACNB2 (calcium voltage-gated channel auxiliary subunit beta 2; plus strand). Cytogenetic location: 10p12.31.
Variant type: single nucleotide variant.
Coding change: c.1117C>T on transcript NM_201596.3 (MANE Select); coding-DNA position 1117, C replaced by T.
Protein change: p.Leu373Phe; replaces leucine 373 with phenylalanine.
Molecular consequence: missense variant.
Genome position (GRCh38, 1-based): chr10:18,534,138, C>T. VCF-style: chr10-18534138-C-T. GRCh37 (hg19) VCF-style: chr10-18823067-C-T.
Other names: c.952C>T, p.Leu318Phe (NM_000724.4); c.919C>T, p.Leu307Phe (NM_001167945.2); c.838C>T, p.Leu280Phe (NM_001330060.2); c.859C>T, p.Leu287Phe (NM_001410882.1); c.973C>T, p.Leu325Phe (NM_201570.3); c.1033C>T, p.Leu345Phe (NM_201571.4); c.961C>T, p.Leu321Phe (NM_201572.4); c.955C>T, p.Leu319Phe (NM_201590.3); and 2 more; short protein forms L280F, L321F, L325F, L307F, L335F, L373F, L318F, L319F.
Identifiers: ClinVar variation 1767380 (VCV001767380.4), dbSNP rs375812009, ClinGen allele CA5429915.
Genomic context (GRCh38, chr10:18,534,138, plus strand): 5'-GAAGTTCAGAGTGAAATCGAAAGGATTTTTGAACTTGCAAGAACATTGCAGTTGGTGGTC[C>T]TTGACGCGGATACAATTAATCATCCAGCTCAACTCAGTAAAACCTCCTTGGCCCCTATTA-3'
Protein context (NP_963890.2, residues 363-383): ELARTLQLVV[Leu373Phe]DADTINHPAQ